The following is an entry in ClinVar:

ClinVar aggregate classification (germline): Uncertain significance (1 of 4 stars; one submission).

Submission:

Labcorp Genetics (formerly Invitae), Labcorp
Classification: Uncertain significance. Last evaluated: 2022-04-27. Review status: criteria provided, single submitter. Criteria: Invitae Variant Classification Sherloc (09022015). Collection method: clinical testing. Allele origin: germline.
Comment: Algorithms developed to predict the effect of sequence changes on RNA splicing suggest that this variant may disrupt the consensus splice site. In summary, the available evidence is currently insufficient to determine the role of this variant in disease. Therefore, it has been classified as a Variant of Uncertain Significance. Algorithms developed to predict the effect of missense changes on protein structure and function are either unavailable or do not agree on the potential impact of this missense change (SIFT: "Deleterious"; PolyPhen-2: "Probably Damaging"; Align-GVGD: "Class C0"). This variant has not been reported in the literature in individuals affected with PLEKHM2-related conditions. This variant is not present in population databases (gnomAD no frequency). This sequence change replaces glycine, which is neutral and non-polar, with aspartic acid, which is acidic and polar, at codon 880 of the PLEKHM2 protein (p.Gly880Asp).

NM_015164.4(PLEKHM2):c.2639G>A (p.Gly880Asp)

Gene: PLEKHM2 (pleckstrin homology and RUN domain containing M2; plus strand). Cytogenetic location: 1p36.21.
Variant type: single nucleotide variant.
Coding change: c.2639G>A on transcript NM_015164.4 (MANE Select); coding-DNA position 2639, G replaced by A.
Protein change: p.Gly880Asp; replaces glycine 880 with aspartic acid.
Molecular consequence: missense variant.
Genome position (GRCh38, 1-based): chr1:15,732,363, G>A. VCF-style: chr1-15732363-G-A. GRCh37 (hg19) VCF-style: chr1-16058858-G-A.
Other names: c.2579G>A, p.Gly860Asp (NM_001410755.1); short protein forms G880D, G860D.
Identifiers: ClinVar variation 2130540 (VCV002130540.4), dbSNP rs866003699, ClinGen allele CA18268622.